The following is an entry in ClinVar:

NM_001283009.2(RTEL1):c.1337C>T (p.Ala446Val)

Genes: RTEL1 (regulator of telomere elongation helicase 1; plus strand), RTEL1-TNFRSF6B (RTEL1-TNFRSF6B readthrough (NMD candidate); plus strand). Cytogenetic location: 20q13.33.
Variant type: single nucleotide variant.
Coding change: c.1337C>T on transcript NM_001283009.2 (MANE Select); coding-DNA position 1337, C replaced by T.
Protein change: p.Ala446Val; replaces alanine 446 with valine.
Molecular consequence: missense variant. On other transcripts: non-coding transcript variant (1).
Genome position (GRCh38, 1-based): chr20:63,685,861, C>T. VCF-style: chr20-63685861-C-T. GRCh37 (hg19) VCF-style: chr20-62317214-C-T.
Other names: c.668C>T, p.Ala223Val (NM_001283010.1); c.1337C>T, p.Ala446Val (NM_016434.4); c.1409C>T, p.Ala470Val (NM_032957.5); short protein forms A223V, A446V, A470V.
Identifiers: ClinVar variation 3791114 (VCV003791114.1).

ClinVar aggregate classification (germline): Uncertain significance (1 of 4 stars; one submission).

Conditions:
Inborn genetic diseases. Identifiers: MedGen C0950123, MeSH D030342.

Submission:

Ambry Genetics
Classification: Uncertain significance for Inborn genetic diseases. Last evaluated: 2025-02-03. Review status: criteria provided, single submitter. Criteria: Ambry Variant Classification Scheme 2023. Collection method: clinical testing. Allele origin: germline.
Comment: The p.A446V variant (also known as c.1337C>T), located in coding exon 15 of the RTEL1 gene, results from a C to T substitution at nucleotide position 1337. The alanine at codon 446 is replaced by valine, an amino acid with similar properties. This amino acid position is conserved. In addition, this alteration is predicted to be tolerated by in silico analysis. Based on the available evidence, the clinical significance of this variant remains unclear.